The following is an entry in ClinVar:

NM_007259.5(VPS45):c.1267G>C (p.Val423Leu)

Gene: VPS45 (vacuolar protein sorting 45 homolog; plus strand). Cytogenetic location: 1q21.2.
Variant type: single nucleotide variant.
Coding change: c.1267G>C on transcript NM_007259.5 (MANE Select); coding-DNA position 1267, G replaced by C.
Protein change: p.Val423Leu; replaces valine 423 with leucine.
Molecular consequence: missense variant. On other transcripts: non-coding transcript variant (1).
Genome position (GRCh38, 1-based): chr1:150,092,305, G>C. VCF-style: chr1-150092305-G-C. GRCh37 (hg19) VCF-style: chr1-150064399-G-C.
Other names: c.952G>C, p.Val318Leu (NM_001279353.2); c.1159G>C, p.Val387Leu (NM_001279354.2); short protein forms V318L, V423L, V387L.
Identifiers: ClinVar variation 968553 (VCV000968553.12), dbSNP rs201002467, ClinGen allele CA1073359.

ClinVar aggregate classification (germline): Uncertain significance. Review status: criteria provided, multiple submitters, no conflicts (2 of 4 stars). 3 submissions from 3 submitters: Uncertain significance (2). 1 of the submissions does not count toward it. Last evaluated 2024-07-15.

Conditions:
Congenital neutropenia-myelofibrosis-nephromegaly syndrome. Also called: Severe congenital neutropenia 5, autosomal recessive. Identifiers: Orphanet 369852, MedGen C3809031, MONDO:0014118, OMIM 615285.

Allele frequency attached by ClinVar (database versions not stated): TOPMed 0.00004; gnomAD 0.00007.
gnomAD v4.1: 64 of 1,613,234 alleles (0.004%); highest among the groups gnomAD compares: Non-Finnish European, 0.0049%; no homozygotes.

Submissions (3):

Labcorp Genetics (formerly Invitae), Labcorp
Classification: Uncertain significance for Congenital neutropenia-myelofibrosis-nephromegaly syndrome. Last evaluated: 2024-07-15. Review status: criteria provided, single submitter. Criteria: Invitae Variant Classification Sherloc (09022015). Collection method: clinical testing. Allele origin: germline.
Comment: This sequence change replaces valine, which is neutral and non-polar, with leucine, which is neutral and non-polar, at codon 423 of the VPS45 protein (p.Val423Leu). This variant is present in population databases (rs201002467, gnomAD 0.01%). This variant has not been reported in the literature in individuals affected with VPS45-related conditions. ClinVar contains an entry for this variant (Variation ID: 968553). Advanced modeling of protein sequence and biophysical properties (such as structural, functional, and spatial information, amino acid conservation, physicochemical variation, residue mobility, and thermodynamic stability) performed at Invitae indicates that this missense variant is not expected to disrupt VPS45 protein function with a negative predictive value of 80%. In summary, the available evidence is currently insufficient to determine the role of this variant in disease. Therefore, it has been classified as a Variant of Uncertain Significance.

Genetic Services Laboratory, University of Chicago
Classification: Uncertain significance. Last evaluated: 2019-10-04. Review status: criteria provided, single submitter. Criteria: ACMG Guidelines, 2015. Collection method: clinical testing. Allele origin: germline. Affected: no.

Natera, Inc.
Classification: Uncertain significance for Autosomal recessive severe congenital neutropenia 5. Last evaluated: 2020-06-18. Review status: no assertion criteria provided. Collection method: clinical testing. Allele origin: germline. Not counted in ClinVar's aggregate classification.